The following is an entry in ClinVar:

ClinVar aggregate classification (germline): Pathogenic/Likely pathogenic. Review status: criteria provided, multiple submitters, no conflicts (2 of 4 stars). 3 submissions from 3 submitters: Pathogenic (1); Likely pathogenic (1). 1 of the submissions does not count toward it. Last evaluated 2025-06-15.

Conditions:
Early-infantile DEE. Also called: Early infantile epileptic encephalopathy with suppression bursts; Early infantile epileptic encephalopathy; Ohtahara syndrome. Identifiers: Orphanet 1934, MedGen C0393706, MONDO:0800491.
KCNQ2-Related Disorders. Also called: KCNQ2-related disorder; KCNQ2-related condition. Identifiers: MedGen CN169299.
Seizures, benign familial neonatal, 1. Also called: Seizures, benign neonatal, 1; KCNQ2-Related Self-Limited Familial Neonatal Epilepsy (SLFNE); Benign Neonatal Epilepsy 1; KCNQ2-Related Benign Familial Neonatal Epilepsy. Identifiers: Orphanet 1949, MedGen C3149074, MONDO:0007365, OMIM 121200.

Submissions (3):

Labcorp Genetics (formerly Invitae), Labcorp
Classification: Pathogenic for Early-infantile DEE. Last evaluated: 2025-06-15. Review status: criteria provided, single submitter. Criteria: Invitae Variant Classification Sherloc (09022015). Collection method: clinical testing. Allele origin: germline.
Comment: This sequence change replaces asparagine, which is neutral and polar, with serine, which is neutral and polar, at codon 258 of the KCNQ2 protein (p.Asn258Ser). This variant is not present in population databases (gnomAD no frequency). This missense change has been observed in individuals with benign familial neonatal-infantile seizures and/or developmental and epileptic encephalopathy (PMID: 18246739, 32613771). ClinVar contains an entry for this variant (Variation ID: 21801). Invitae Evidence Modeling of protein sequence and biophysical properties (such as structural, functional, and spatial information, amino acid conservation, physicochemical variation, residue mobility, and thermodynamic stability) indicates that this missense variant is expected to disrupt KCNQ2 protein function with a positive predictive value of 95%. Experimental studies have shown that this missense change affects KCNQ2 function (PMID: 21913284). This variant disrupts the p.Asn258 amino acid residue in KCNQ2. Other variant(s) that disrupt this residue have been determined to be pathogenic (PMID: 35468861, 36849527). This suggests that this residue is clinically significant, and that variants that disrupt this residue are likely to be disease-causing. For these reasons, this variant has been classified as Pathogenic.

Blueprint Genetics
Classification: Likely pathogenic for KCNQ2-related disorders. Last evaluated: 2022-05-18. Review status: criteria provided, single submitter. Criteria: ACMG Guidelines, 2015. Collection method: clinical testing. Allele origin: germline. Affected: yes. Observed: 3 variant alleles.

GeneReviews
No classification provided. Condition: Seizures, benign familial neonatal, 1. Review status: no classification provided. Collection method: literature only. Allele origin: germline. Affected: yes. Not counted in ClinVar's aggregate classification.
Comment: BFNE (benign familial neonatal epilepsy).

Literature cited by the submitters: PubMed 18246739 (cited by Labcorp Genetics (formerly Invitae), Labcorp and GeneReviews); PubMed 32613771 (cited by Labcorp Genetics (formerly Invitae), Labcorp); PubMed 21913284 (cited by Labcorp Genetics (formerly Invitae), Labcorp and GeneReviews); PubMed 35468861 (cited by Labcorp Genetics (formerly Invitae), Labcorp); PubMed 36849527 (cited by Labcorp Genetics (formerly Invitae), Labcorp); NCBI Bookshelf NBK32534 (cited by GeneReviews).

NM_172107.4(KCNQ2):c.773A>G (p.Asn258Ser)

Gene: KCNQ2 (potassium voltage-gated channel subfamily Q member 2; minus strand). Cytogenetic location: 20q13.33.
Variant type: single nucleotide variant.
Coding change: c.773A>G on transcript NM_172107.4 (MANE Select); coding-DNA position 773, A replaced by G.
Protein change: p.Asn258Ser; replaces asparagine 258 with serine.
Molecular consequence: missense variant.
Genome position (GRCh38, 1-based): chr20:63,442,449, T>C on the plus strand (A>G on the coding strand, the complement: KCNQ2 is on the minus strand). VCF-style: chr20-63442449-T-C. GRCh37 (hg19) VCF-style: chr20-62073802-T-C.
Other names: c.773A>G, p.Asn258Ser (NM_004518.6, NM_172106.3, NM_172108.5 and 1 more transcripts); short protein forms N258S.
Identifiers: ClinVar variation 21801 (VCV000021801.4), dbSNP rs118192207, ClinGen allele CA342531.
Genomic context (GRCh38, chr20:63,442,449, plus strand): 5'-CAATGACCACAACTCACCAGGCCCCACCAGAGTGCATCCGCGTAGGTGTCAAAGTGGTCG[T>C]TCTCCCCCTTCTCTGCCAAGTACACCAGGAACGAGGCCAGGATGAGACAAAGGAAGCCGA-3'
Protein context (NP_742105.1, residues 248-268): FLVYLAEKGE[Asn258Ser]DHFDTYADAL